The following is an entry in ClinVar:

NM_000245.4(MET):c.371C>T (p.Thr124Ile)

Gene: MET (MET proto-oncogene, receptor tyrosine kinase; plus strand). Cytogenetic location: 7q31.2.
Variant type: single nucleotide variant.
Coding change: c.371C>T on transcript NM_000245.4 (MANE Select); coding-DNA position 371, C replaced by T.
Protein change: p.Thr124Ile; replaces threonine 124 with isoleucine.
Molecular consequence: missense variant. On other transcripts: intron variant (1).
Genome position (GRCh38, 1-based): chr7:116,699,455, C>T. VCF-style: chr7-116699455-C-T. GRCh37 (hg19) VCF-style: chr7-116339509-C-T.
Other names: c.371C>T, p.Thr124Ile (NM_001127500.3, NM_001324401.3); c.-91+26878C>T (NM_001324402.2); short protein forms T124I.
Identifiers: ClinVar variation 952706 (VCV000952706.9), dbSNP rs1791477416, ClinGen allele CA368968929.

ClinVar aggregate classification (germline): Uncertain significance (1 of 4 stars; one submission).

Conditions:
Renal cell carcinoma. Identifiers: Orphanet 217071, MedGen C0007134, MeSH D002292, MONDO:0005086, HP:0005584.

gnomAD v4.1: 1 of 1,613,996 alleles (0.000062%); no homozygotes.

Submission:

Labcorp Genetics (formerly Invitae), Labcorp
Classification: Uncertain significance for Renal cell carcinoma. Last evaluated: 2022-03-08. Review status: criteria provided, single submitter. Criteria: Invitae Variant Classification Sherloc (09022015). Collection method: clinical testing. Allele origin: germline.
Comment: In summary, the available evidence is currently insufficient to determine the role of this variant in disease. Therefore, it has been classified as a Variant of Uncertain Significance. Algorithms developed to predict the effect of missense changes on protein structure and function are either unavailable or do not agree on the potential impact of this missense change (SIFT: "Deleterious"; PolyPhen-2: "Benign"; Align-GVGD: "Class C0"). ClinVar contains an entry for this variant (Variation ID: 952706). This variant has not been reported in the literature in individuals affected with MET-related conditions. This variant is not present in population databases (gnomAD no frequency). This sequence change replaces threonine, which is neutral and polar, with isoleucine, which is neutral and non-polar, at codon 124 of the MET protein (p.Thr124Ile).